The following is an entry in ClinVar:

NM_000277.3(PAH):c.561G>A (p.Trp187Ter)

Gene: PAH (phenylalanine hydroxylase; minus strand). Cytogenetic location: 12q23.2.
Variant type: single nucleotide variant.
Coding change: c.561G>A on transcript NM_000277.3 (MANE Select); coding-DNA position 561, G replaced by A.
Protein change: p.Trp187Ter; replaces tryptophan 187 with a stop codon.
Molecular consequence: nonsense.
Genome position (GRCh38, 1-based): chr12:102,855,281, C>T on the plus strand (G>A on the coding strand, the complement: PAH is on the minus strand). VCF-style: chr12-102855281-C-T. GRCh37 (hg19) VCF-style: chr12-103249059-C-T.
Other names: NM_000277.2(PAH):c.561G>A; p.Trp187*; c.561G>A (NM_000277.2); c.561G>A, p.Trp187Ter (NM_001354304.2); short protein forms W187*.
Identifiers: ClinVar variation 102736 (VCV000102736.34), dbSNP rs62507336, ClinGen allele CA229624.
Genomic context (GRCh38, chr12:102,855,281, plus strand): 5'-ATTGTACTCATAGCAAGCATGGGTTTTATACAAGGACTTCAGAGTCTTGAACACTGTGCC[C>T]CATGTTTTCTTTTCTTCCTCCATGTATTCCACTCGAGGGATGGGCTGCCCACTAGAATAC-3'

ClinVar aggregate classification (germline): Pathogenic. Review status: reviewed by expert panel (3 of 4 stars). 15 submissions from 15 submitters: Pathogenic (1). 14 of the submissions do not count toward it. Last evaluated 2018-08-10.

Conditions:
PAH-related disorder. Also called: PAH-related condition.
Phenylketonuria (PKU). Also called: FOLLING DISEASE; Phenylketonurias; OLIGOPHRENIA PHENYLPYRUVICA; Phenylketonuria (PKU). Identifiers: Orphanet 716, MedGen C0031485, MONDO:0009861, OMIM 261600. Disease mechanism: loss of function.

Allele frequency attached by ClinVar (database versions not stated): gnomAD 0.00001; gnomAD exomes 0.00001 and 0.00002; TOPMed 0.00002.
gnomAD v4.1: 32 of 1,613,908 alleles (0.002%); highest among the groups gnomAD compares: Non-Finnish European, 0.0027%; no homozygotes.

Submissions (15):

ClinGen PAH Variant Curation Expert Panel
Classification: Pathogenic for Phenylketonuria. Last evaluated: 2018-08-10. Review status: reviewed by expert panel. Criteria: ClinGen PAH ACMG Specifications v1. Collection method: curation. Allele origin: germline. Inheritance: Autosomal recessive inheritance.
Comment: PAH-specific ACMG/AMP criteria applied: PVS1: Nonsense variant; PM2: Extremely low frequency in gnomAD. MAF=0.00002.; PP4_Moderate: Detected in 3 chromosomes of patients with PAH deficiency. BH4 deficiency ruled out. (PMID:8268925). In summary this variant meets criteria to be classified as pathogenic for phenylketonuria in an autosomal recessive manner based on the ACMG/AMP criteria applied as specified by the PAH Expert Panel: (PVS1, PM2, PP4_Moderate).

PreventionGenetics, part of Exact Sciences
Classification: Pathogenic for PAH-related condition. Last evaluated: 2026-05-12. Review status: criteria provided, single submitter. Criteria: ACMG Guidelines, 2015. Collection method: clinical testing. Allele origin: germline. Not counted in ClinVar's aggregate classification.
Comment: The PAH c.561G>A variant is predicted to result in premature protein termination (p.Trp187*). This variant has been reported to be causative for phenylalanine hydroxylase deficiency (for example, see Guldberg et al. 1993. PubMed: 8268925; Romano et al. 1996. PubMed: 8830172; Ho et al. 2014. PubMed ID: 24368688; Hillert et al. 2020. PubMed ID: 32668217).This variant is reported in 0.0018% of alleles in individuals of European (Non-Finnish) descent in gnomAD. It is interpreted as pathogenic or likely pathogenic by multiple submitters to ClinVar, including the ClinGen PAH Variant Curation Expert Panel (Variation ID: 102736). Nonsense variants in PAH are expected to be pathogenic. This variant is interpreted as pathogenic.

CeGaT Center for Human Genetics Tuebingen
Classification: Pathogenic. Last evaluated: 2026-01-01. Review status: criteria provided, single submitter. Criteria: CeGaT Center For Human Genetics Tuebingen Variant Classification Criteria Version 2. Collection method: clinical testing. Allele origin: germline. Affected: yes. Observed: 1 variant allele. Not counted in ClinVar's aggregate classification.
Comment: PAH: PM3:Very Strong, PVS1, PM2, PP4:Moderate

Labcorp Genetics (formerly Invitae), Labcorp
Classification: Pathogenic for Phenylketonuria. Last evaluated: 2025-08-18. Review status: criteria provided, single submitter. Criteria: Invitae Variant Classification Sherloc (09022015). Collection method: clinical testing. Allele origin: germline. Not counted in ClinVar's aggregate classification.
Comment: This sequence change creates a premature translational stop signal (p.Trp187*) in the PAH gene. It is expected to result in an absent or disrupted protein product. Loss-of-function variants in PAH are known to be pathogenic (PMID: 1301187, 9634518). This variant is present in population databases (rs62507336, gnomAD 0.002%). This premature translational stop signal has been observed in individual(s) with phenylketonuria (PMID: 8830172, 26600521). ClinVar contains an entry for this variant (Variation ID: 102736). For these reasons, this variant has been classified as Pathogenic.

Natera, Inc.
Classification: Pathogenic for Phenylketonuria. Last evaluated: 2025-01-17. Review status: criteria provided, single submitter. Criteria: Natera Variant Classification Schema (03/2026). Collection method: clinical testing. Allele origin: germline. Not counted in ClinVar's aggregate classification.
Comment: The c.561G>A variant in PAH is a nonsense variant predicted to introduce a stop codon at amino acid 187. This variant is expected to result in nonsense mediated decay, truncation, or a dysfunctional protein product. This variant is rare in the general population with a frequency below the threshold expected for the associated phenotype(s). This variant has been observed in one or more individuals affected with the associated recessive disease, as either homozygous or compound heterozygous with a second variant (PMID: 8807319). Given the available evidence, this variant is classified as Pathogenic.

Mayo Clinic Laboratories, Mayo Clinic
Classification: Pathogenic. Last evaluated: 2023-10-17. Review status: criteria provided, single submitter. Criteria: ACMG Guidelines, 2015. Collection method: clinical testing. Allele origin: germline. Observed: 2 variant alleles. Not counted in ClinVar's aggregate classification.
Comment: PP4, PM2_moderate, PM3, PS3, PVS1

Revvity Omics, Revvity
Classification: Pathogenic for Phenylketonuria. Last evaluated: 2021-12-24. Review status: criteria provided, single submitter. Criteria: ACMG Guidelines, 2015. Collection method: clinical testing. Allele origin: germline. Not counted in ClinVar's aggregate classification.

GeneDx
Classification: Pathogenic. Last evaluated: 2021-12-06. Review status: criteria provided, single submitter. Criteria: GeneDx Variant Classification Process June 2021. Collection method: clinical testing. Allele origin: germline. Affected: yes. Not counted in ClinVar's aggregate classification.
Comment: Nonsense variant predicted to result in protein truncation or nonsense mediated decay in a gene for which loss-of-function is a known mechanism of disease; Not observed at significant frequency in large population cohorts (Lek et al., 2016); Classified as non-responsive to tetrahydrobiopterin (BH4) therapy (Zurfluh et al., 2008); This variant is associated with the following publications: (PMID: 25525159, 8268925, 26600521, 8830172, 15503242, 9012412, 23430918, 23932990, 24368688, 9634518, 17502162, 17096675, 12655553, 31589614, 32778825, 29316886, 29749107, 30829006, 17935162)

Women's Health and Genetics/Laboratory Corporation of America, LabCorp
Classification: Pathogenic for Phenylketonuria. Last evaluated: 2020-10-04. Review status: criteria provided, single submitter. Criteria: LabCorp Variant Classification Summary - May 2015. Collection method: clinical testing. Allele origin: germline. Not counted in ClinVar's aggregate classification.
Comment: Variant summary: PAH c.561G>A (p.Trp187X) results in a premature termination codon, predicted to cause a truncation of the encoded protein or absence of the protein due to nonsense mediated decay, which are commonly known mechanisms for disease. Truncations downstream of this position have been classified as pathogenic by our laboratory. The variant allele was found at a frequency of 8e-06 in 251296 control chromosomes. c.561G>A has been reported in the literature in individuals affected with Phenylalanine Hydroxylase Deficiency (Phenylketonuria) (example, Guldberg_1993, Guldberg_1996, Liu_2015). These data indicate that the variant is likely to be associated with disease. At least one publication reports experimental evidence evaluating an impact on protein function. The most pronounced variant effect results in <10% of normal activity (example, Guldberg_1996). Three clinical diagnostic laboratories and one expert panel (Clingen) have submitted clinical-significance assessments for this variant to ClinVar after 2014 without evidence for independent evaluation. All submitters classified the variant as pathogenic. Based on the evidence outlined above, the variant was classified as pathogenic.

Genome Diagnostics Laboratory, University Medical Center Utrecht
Classification: Pathogenic for Phenylketonuria. Last evaluated: 2014-10-08. Review status: criteria provided, single submitter. Criteria: ACGS Guidelines, 2013. Collection method: clinical testing. Allele origin: germline. Affected: yes. Study: VKGL Data-share Consensus. Not counted in ClinVar's aggregate classification.

Counsyl
Classification: Likely pathogenic for Phenylketonuria. Last evaluated: 2015-01-06. Review status: no assertion criteria provided. Collection method: literature only. Allele origin: unknown. Inheritance: Autosomal recessive inheritance. Not counted in ClinVar's aggregate classification.

Clinical Genetics DNA and cytogenetics Diagnostics Lab, Erasmus MC, Erasmus Medical Center
Classification: Pathogenic. Review status: no assertion criteria provided. Collection method: clinical testing. Allele origin: germline. Affected: yes. Study: VKGL Data-share Consensus. Not counted in ClinVar's aggregate classification.

DeBelle Laboratory for Biochemical Genetics, MUHC/MCH RESEARCH INSTITUTE
No classification provided. Review status: no classification provided. Collection method: not provided. Allele origin: not provided. Not counted in ClinVar's aggregate classification.

Diagnostic Laboratory, Department of Genetics, University Medical Center Groningen
Classification: Pathogenic for Phenylketonuria. Review status: no assertion criteria provided. Collection method: clinical testing. Allele origin: germline. Affected: yes. Study: VKGL Data-share Consensus. Not counted in ClinVar's aggregate classification.

Joint Genome Diagnostic Labs from Nijmegen and Maastricht, Radboudumc and MUMC+
Classification: Pathogenic. Review status: no assertion criteria provided. Collection method: clinical testing. Allele origin: germline. Affected: yes. Study: VKGL Data-share Consensus. Not counted in ClinVar's aggregate classification.

Literature cited by the submitters: PubMed 8268925 (cited by 3 submitters); PubMed 1301187 (cited by Labcorp Genetics (formerly Invitae), Labcorp); PubMed 9634518 (cited by Labcorp Genetics (formerly Invitae), Labcorp and Counsyl); PubMed 8830172 (cited by Labcorp Genetics (formerly Invitae), Labcorp and Women's Health and Genetics/Laboratory Corporation of America, LabCorp); PubMed 26600521 (cited by 3 submitters); PubMed 8807319 (cited by Natera, Inc.); PubMed 12655553 (cited by Mayo Clinic Laboratories, Mayo Clinic and Counsyl); PubMed 15503242 (cited by Mayo Clinic Laboratories, Mayo Clinic and Counsyl); PubMed 17096675 (cited by Mayo Clinic Laboratories, Mayo Clinic and Counsyl); PubMed 17935162 (cited by 3 submitters); PubMed 23932990 (cited by Mayo Clinic Laboratories, Mayo Clinic and Counsyl); PubMed 24368688 (cited by Mayo Clinic Laboratories, Mayo Clinic and Counsyl); PubMed 23430918 (cited by Counsyl); PubMed 17502162 (cited by Counsyl); PubMed 9012412 (cited by Counsyl).